The following is an entry in ClinVar:

NM_004995.4(MMP14):c.502C>T (p.Arg168Cys)

Gene: MMP14 (matrix metallopeptidase 14; plus strand). Cytogenetic location: 14q11.2.
Variant type: single nucleotide variant.
Coding change: c.502C>T on transcript NM_004995.4 (MANE Select); coding-DNA position 502, C replaced by T.
Protein change: p.Arg168Cys; replaces arginine 168 with cysteine.
Molecular consequence: missense variant.
Genome position (GRCh38, 1-based): chr14:22,842,531, C>T. VCF-style: chr14-22842531-C-T. GRCh37 (hg19) VCF-style: chr14-23311740-C-T.
Other names: short protein forms R168C.
Identifiers: ClinVar variation 2328259 (VCV002328259.4), dbSNP rs759963384, ClinGen allele CA7105192.

ClinVar aggregate classification (germline): Uncertain significance. Review status: criteria provided, multiple submitters, no conflicts (2 of 4 stars). 2 submissions from 2 submitters: Uncertain significance (2). Last evaluated 2025-08-31.

Conditions:
Inborn genetic diseases. Identifiers: MedGen C0950123, MeSH D030342.

Allele frequency attached by ClinVar (database versions not stated): gnomAD exomes below 0.00001; TOPMed 0.00001; ExAC 0.00002.
gnomAD v4.1: 4 of 1,614,146 alleles (0.00025%); highest among the groups gnomAD compares: East Asian, 0.0022%; no homozygotes.

Submissions (2):

Ambry Genetics
Classification: Uncertain significance for Inborn genetic diseases. Last evaluated: 2025-08-31. Review status: criteria provided, single submitter. Criteria: Ambry Variant Classification Scheme 2023. Collection method: clinical testing. Allele origin: germline.

Labcorp Genetics (formerly Invitae), Labcorp
Classification: Uncertain significance. Last evaluated: 2025-02-13. Review status: criteria provided, single submitter. Criteria: Invitae Variant Classification Sherloc (09022015). Collection method: clinical testing. Allele origin: germline.
Comment: This sequence change replaces arginine, which is basic and polar, with cysteine, which is neutral and slightly polar, at codon 168 of the MMP14 protein (p.Arg168Cys). This variant is present in population databases (rs759963384, gnomAD 0.006%). This variant has not been reported in the literature in individuals affected with MMP14-related conditions. ClinVar contains an entry for this variant (Variation ID: 2328259). An algorithm developed to predict the effect of missense changes on protein structure and function (PolyPhen-2) suggests that this variant is likely to be disruptive. In summary, the available evidence is currently insufficient to determine the role of this variant in disease. Therefore, it has been classified as a Variant of Uncertain Significance.